The following is an entry in ClinVar:

NM_031935.3(HMCN1):c.5765A>G (p.Glu1922Gly)

Gene: HMCN1 (hemicentin 1; plus strand). Cytogenetic location: 1q31.1.
Variant type: single nucleotide variant.
Coding change: c.5765A>G on transcript NM_031935.3 (MANE Select); coding-DNA position 5765, A replaced by G.
Protein change: p.Glu1922Gly; replaces glutamic acid 1922 with glycine.
Molecular consequence: missense variant.
Genome position (GRCh38, 1-based): chr1:186,037,949, A>G. VCF-style: chr1-186037949-A-G. GRCh37 (hg19) VCF-style: chr1-186007081-A-G.
Other names: short protein forms E1922G.
Identifiers: ClinVar variation 3608777 (VCV003608777.2).

ClinVar aggregate classification (germline): Uncertain significance (1 of 4 stars; one submission).

gnomAD v4.1: 4 of 1,609,450 alleles (0.00025%); highest among the groups gnomAD compares: African/African-American, 0.004%; no homozygotes.

Submission:

Labcorp Genetics (formerly Invitae), Labcorp
Classification: Uncertain significance. Last evaluated: 2024-03-02. Review status: criteria provided, single submitter. Criteria: Invitae Variant Classification Sherloc (09022015). Collection method: clinical testing. Allele origin: germline.
Comment: This sequence change replaces glutamic acid, which is acidic and polar, with glycine, which is neutral and non-polar, at codon 1922 of the HMCN1 protein (p.Glu1922Gly). This variant is present in population databases (no rsID available, gnomAD 0.0009%). This variant has not been reported in the literature in individuals affected with HMCN1-related conditions. An algorithm developed to predict the effect of missense changes on protein structure and function (PolyPhen-2) suggests that this variant is likely to be tolerated. In summary, the available evidence is currently insufficient to determine the role of this variant in disease. Therefore, it has been classified as a Variant of Uncertain Significance.